The following is an entry in ClinVar:

NM_001378454.1(ALMS1):c.5274del (p.Tyr1759fs)

Gene: ALMS1 (ALMS1 centrosome and basal body associated protein; plus strand). Cytogenetic location: 2p13.1.
Variant type: Deletion.
Coding change: c.5274del on transcript NM_001378454.1 (MANE Select); coding-DNA position 5274, one base deleted (C; older notation c.5274delC).
Protein change: p.Tyr1759fs; shifts the reading frame from tyrosine 1759.
Molecular consequence: frameshift variant.
Genome position (GRCh38, 1-based): chr2:73,451,801, C deleted. VCF-style (leftmost placement, unchanged base first): chr2-73451800-TC-T. GRCh37 (hg19) VCF-style: chr2-73678927-TC-T.
Other names: c.5277del, p.Tyr1760fs (NM_015120.4); c.5277delC (NM_015120.4); short protein forms Y1759fs, Y1760fs.
Identifiers: ClinVar variation 1677031 (VCV001677031.6), dbSNP rs2103785778, ClinGen allele CA2573135788.
Genomic context (GRCh38, chr2:73,451,800, plus strand): 5'-TTTCAGCTGTTCCTCAACCAGCTGACCAGAAGACTGGGTTATCTACTGTAACTTCCTCTT[TC>T]TATTCACATACAGAGAAGCCTAATATTTCTTACCAGCAAGAGTTGCCAGATAGTCATCTA-3'

ClinVar aggregate classification (germline): Pathogenic/Likely pathogenic. Review status: criteria provided, multiple submitters, no conflicts (2 of 4 stars). 2 submissions from 2 submitters: Pathogenic (1); Likely pathogenic (1). Last evaluated 2023-08-24.

Conditions:
Alstrom syndrome (ALMS). Identifiers: Orphanet 64, MedGen C0268425, MONDO:0008763, OMIM 203800.

Submissions (2):

Labcorp Genetics (formerly Invitae), Labcorp
Classification: Pathogenic for Alstrom syndrome. Last evaluated: 2023-08-24. Review status: criteria provided, single submitter. Criteria: Invitae Variant Classification Sherloc (09022015). Collection method: clinical testing. Allele origin: germline.
Comment: For these reasons, this variant has been classified as Pathogenic. ClinVar contains an entry for this variant (Variation ID: 1677031). This premature translational stop signal has been observed in individual(s) with clinical features of ALMS1-related conditions (PMID: 25846608). This variant is not present in population databases (gnomAD no frequency). This sequence change creates a premature translational stop signal (p.Tyr1760Ilefs*20) in the ALMS1 gene. It is expected to result in an absent or disrupted protein product. Loss-of-function variants in ALMS1 are known to be pathogenic (PMID: 17594715).

Women's Health and Genetics/Laboratory Corporation of America, LabCorp
Classification: Likely pathogenic for Alstrom syndrome. Last evaluated: 2022-03-07. Review status: criteria provided, single submitter. Criteria: LabCorp Variant Classification Summary - May 2015. Collection method: clinical testing. Allele origin: germline.
Comment: Variant summary: ALMS1 c.5271delC (p.Tyr1758IlefsX20) results in a premature termination codon, predicted to cause a truncation of the encoded protein or absence of the protein due to nonsense mediated decay, which are commonly known mechanisms for disease. Truncations downstream of this position have been classified as pathogenic in ClinVar (e.g. c.5422_5425del [p.His1808fs], c.6302C>A [p.Ser2101Ter]). The variant was absent in 249026 control chromosomes (gnomAD). c.5271delC has been reported in the literature in at least one individual affected with suspected Alstrom Syndrome (Marshall_2015). This report does not provide unequivocal conclusions about association of the variant with Alstrom Syndrome With Dilated Cardiomyopathy. To our knowledge, no experimental evidence demonstrating an impact on protein function has been reported. No clinical diagnostic laboratories have submitted clinical-significance assessments for this variant to ClinVar after 2014. Based on the evidence outlined above, the variant was classified as likely pathogenic.

Literature cited by the submitters: PubMed 25846608 (cited by Labcorp Genetics (formerly Invitae), Labcorp and Women's Health and Genetics/Laboratory Corporation of America, LabCorp); PubMed 17594715 (cited by Labcorp Genetics (formerly Invitae), Labcorp).